The following is an entry in ClinVar:

NM_014415.4(ZBTB11):c.2644_2644+2dup

Gene: ZBTB11 (zinc finger and BTB domain containing 11; minus strand). Cytogenetic location: 3q12.3.
Variant type: Duplication.
Coding change: c.2644_2644+2dup on transcript NM_014415.4 (MANE Select); coding-DNA position 2644 through the canonical splice donor site of the intron after coding-DNA position 2644, 3 bases duplicated (GGT; older notation c.2644_2644+2dupGGT).
Molecular consequence: splice donor variant.
Genome position (GRCh38, 1-based): chr3:101,652,494-101,652,496, ACC duplicated on the plus strand (GGT on the coding strand, the reverse complement: ZBTB11 is on the minus strand). VCF-style (leftmost placement, unchanged base first): chr3-101652493-T-TACC. GRCh37 (hg19) VCF-style: chr3-101371337-T-TACC.
Other names: c.2644_2644+2dupGGT (NM_014415.4).
Identifiers: ClinVar variation 4688814 (VCV004688814.1).

ClinVar aggregate classification (germline): Uncertain significance (1 of 4 stars; one submission).

Submission:

Women's Health and Genetics/Laboratory Corporation of America, LabCorp
Classification: Uncertain significance. Last evaluated: 2025-12-26. Review status: criteria provided, single submitter. Criteria: LabCorp Variant Classification Summary - May 2015. Collection method: clinical testing. Allele origin: germline.
Comment: Variant summary: ZBTB11 c.2644_2644+2dupGGT is located in an exon-intronic splice-region and may or may not affect mRNA splicing as the canonical splice-site is left intact. Several computational tools predict a significant impact on normal splicing: Four predict the variant abolishes a 5' splicing donor site. Three predict the variant creates a 5' donor site. However, these predictions have yet to be confirmed by functional studies. The variant allele was found at a frequency of 1.2e-05 in 250670 control chromosomes. The available data on variant occurrences in the general population are insufficient to allow any conclusion about variant significance. To our knowledge, no occurrence of c.2644_2644+2dupGGT in individuals affected with ZBTB11-related conditions and no experimental evidence demonstrating its impact on protein function have been reported. No submitters have cited clinical-significance assessments for this variant to ClinVar. Based on the evidence outlined above, the variant was classified as uncertain significance.